The following is an entry in ClinVar:

ClinVar aggregate classification (germline): Uncertain significance (1 of 4 stars; one submission).

Submission:

Ambry Genetics
Classification: Uncertain significance. Last evaluated: 2025-07-07. Review status: criteria provided, single submitter. Criteria: Ambry Variant Classification Scheme 2023. Collection method: clinical testing. Allele origin: germline.
Comment: The p.H119L variant (also known as c.356A>T), located in coding exon 3 of the GEN1 gene, results from an A to T substitution at nucleotide position 356. The histidine at codon 119 is replaced by leucine, an amino acid with similar properties. This amino acid position is conserved. In addition, this alteration is predicted to be tolerated by in silico analysis. Based on the available evidence, the clinical significance of this variant remains unclear.

NM_001130009.3(GEN1):c.356A>T (p.His119Leu)

Gene: GEN1 (GEN1 Holliday junction 5' flap endonuclease; plus strand). Cytogenetic location: 2p24.2.
Variant type: single nucleotide variant.
Coding change: c.356A>T on transcript NM_001130009.3 (MANE Select); coding-DNA position 356, A replaced by T.
Protein change: p.His119Leu; replaces histidine 119 with leucine.
Molecular consequence: missense variant.
Genome position (GRCh38, 1-based): chr2:17,764,904, A>T. VCF-style: chr2-17764904-A-T. GRCh37 (hg19) VCF-style: chr2-17946171-A-T.
Other names: c.356A>T, p.His119Leu (NM_182625.5); short protein forms H119L.
Identifiers: ClinVar variation 4263014 (VCV004263014.1).